The following is an entry in ClinVar:

NM_004369.4(COL6A3):c.4759A>G (p.Thr1587Ala)

Gene: COL6A3 (collagen type VI alpha 3 chain; minus strand). Cytogenetic location: 2q37.3.
Variant type: single nucleotide variant.
Coding change: c.4759A>G on transcript NM_004369.4 (MANE Select); coding-DNA position 4759, A replaced by G.
Protein change: p.Thr1587Ala; replaces threonine 1587 with alanine.
Molecular consequence: missense variant.
Genome position (GRCh38, 1-based): chr2:237,368,704, T>C on the plus strand (A>G on the coding strand, the complement: COL6A3 is on the minus strand). VCF-style: chr2-237368704-T-C. GRCh37 (hg19) VCF-style: chr2-238277347-T-C.
Other names: c.2938A>G, p.Thr980Ala (NM_057166.5); c.4141A>G, p.Thr1381Ala (NM_057167.4); short protein forms T1587A, T980A, T1381A.
Identifiers: ClinVar variation 1482673 (VCV001482673.6), dbSNP rs745755603, ClinGen allele CA2188818.

ClinVar aggregate classification (germline): Uncertain significance (1 of 4 stars; one submission).

Conditions:
Bethlem myopathy 1A. Also called: Bethlem myopathy 1; Bethlem Muscular Dystrophy; MYOPATHY, BENIGN CONGENITAL, WITH CONTRACTURES. Identifiers: Orphanet 610, MedGen CN029274, MONDO:0024530, OMIM 158810.

Allele frequency attached by ClinVar (database versions not stated): gnomAD exomes below 0.00001; ExAC 0.00001.
gnomAD v4.1: 3 of 1,614,116 alleles (0.00019%); highest among the groups gnomAD compares: Non-Finnish European, 0.00017%; no homozygotes.

Submission:

Labcorp Genetics (formerly Invitae), Labcorp
Classification: Uncertain significance for Bethlem myopathy 1A. Last evaluated: 2024-08-31. Review status: criteria provided, single submitter. Criteria: Invitae Variant Classification Sherloc (09022015). Collection method: clinical testing. Allele origin: germline.
Comment: This sequence change replaces threonine, which is neutral and polar, with alanine, which is neutral and non-polar, at codon 1587 of the COL6A3 protein (p.Thr1587Ala). This variant is present in population databases (rs745755603, gnomAD 0.0009%). This variant has not been reported in the literature in individuals affected with COL6A3-related conditions. ClinVar contains an entry for this variant (Variation ID: 1482673). Invitae Evidence Modeling of protein sequence and biophysical properties (such as structural, functional, and spatial information, amino acid conservation, physicochemical variation, residue mobility, and thermodynamic stability) indicates that this missense variant is not expected to disrupt COL6A3 protein function with a negative predictive value of 80%. In summary, the available evidence is currently insufficient to determine the role of this variant in disease. Therefore, it has been classified as a Variant of Uncertain Significance.